The following is an entry in ClinVar:

ClinVar aggregate classification (germline): Uncertain significance. Review status: criteria provided, multiple submitters, no conflicts (2 of 4 stars). 3 submissions from 3 submitters: Uncertain significance (3). Last evaluated 2024-12-09.

Conditions:
Orofaciodigital syndrome type 6 (OFD6). Also called: OROFACIODIGITAL SYNDROME VI; OFDS VI; POLYDACTYLY, CLEFT LIP/PALATE OR LINGUAL LUMP, AND PSYCHOMOTOR RETARDATION; VARADI SYNDROME; VARADI-PAPP SYNDROME; Oral-facial-digital syndrome type 6. Identifiers: Orphanet 2754, MedGen C2745997, MONDO:0010176, OMIM 277170.
Joubert syndrome 17 (JBTS17). Identifiers: Orphanet 475, MedGen C3553264, MONDO:0013824, OMIM 614615.
Inborn genetic diseases. Identifiers: MedGen C0950123, MeSH D030342.

Allele frequency attached by ClinVar (database versions not stated): gnomAD 0.00001; gnomAD exomes 0.00001 and 0.00004; TOPMed 0.00003; ExAC 0.00005.
gnomAD v4.1: 7 of 1,511,668 alleles (0.00046%); highest among the groups gnomAD compares: Admixed American, 0.012%; no homozygotes.

Submissions (3):

Labcorp Genetics (formerly Invitae), Labcorp
Classification: Uncertain significance. Last evaluated: 2024-12-09. Review status: criteria provided, single submitter. Criteria: Invitae Variant Classification Sherloc (09022015). Collection method: clinical testing. Allele origin: germline.
Comment: This sequence change replaces serine, which is neutral and polar, with asparagine, which is neutral and polar, at codon 71 of the CPLANE1 protein (p.Ser71Asn). This variant is present in population databases (rs756811653, gnomAD 0.03%). This variant has not been reported in the literature in individuals affected with CPLANE1-related conditions. ClinVar contains an entry for this variant (Variation ID: 1406337). Invitae Evidence Modeling of protein sequence and biophysical properties (such as structural, functional, and spatial information, amino acid conservation, physicochemical variation, residue mobility, and thermodynamic stability) indicates that this missense variant is not expected to disrupt CPLANE1 protein function with a negative predictive value of 95%. In summary, the available evidence is currently insufficient to determine the role of this variant in disease. Therefore, it has been classified as a Variant of Uncertain Significance.

Fulgent Genetics
Classification: Uncertain significance for Orofaciodigital syndrome type 6; Joubert syndrome 17. Last evaluated: 2023-12-26. Review status: criteria provided, single submitter. Criteria: ACMG Guidelines, 2015. Collection method: clinical testing. Allele origin: germline.

Ambry Genetics
Classification: Uncertain significance for Inborn genetic diseases. Last evaluated: 2020-11-23. Review status: criteria provided, single submitter. Criteria: Ambry Variant Classification Scheme 2023. Collection method: clinical testing. Allele origin: germline.

NM_001384732.1(CPLANE1):c.212G>A (p.Ser71Asn)

Gene: CPLANE1 (ciliogenesis and planar polarity effector complex subunit 1; minus strand). Cytogenetic location: 5p13.2.
Variant type: single nucleotide variant.
Coding change: c.212G>A on transcript NM_001384732.1 (MANE Select); coding-DNA position 212, G replaced by A.
Protein change: p.Ser71Asn; replaces serine 71 with asparagine.
Molecular consequence: missense variant.
Genome position (GRCh38, 1-based): chr5:37,245,715, C>T on the plus strand (G>A on the coding strand, the complement: CPLANE1 is on the minus strand). VCF-style: chr5-37245715-C-T. GRCh37 (hg19) VCF-style: chr5-37245817-C-T.
Other names: c.212G>A, p.Ser71Asn (NM_023073.4); short protein forms S71N.
Identifiers: ClinVar variation 1406337 (VCV001406337.7), dbSNP rs756811653, ClinGen allele CA3239204.